The following is an entry in ClinVar:

ClinVar aggregate classification (germline): Pathogenic (1 of 4 stars; one submission).

Conditions:
Fanconi anemia (FA). Also called: Fanconi's anemia. Identifiers: Orphanet 84, MedGen C0015625, MeSH D005199, MONDO:0019391.

Submission:

Labcorp Genetics (formerly Invitae), Labcorp
Classification: Pathogenic for Fanconi anemia. Last evaluated: 2022-10-17. Review status: criteria provided, single submitter. Criteria: Invitae Variant Classification Sherloc (09022015). Collection method: clinical testing. Allele origin: germline.
Comment: This sequence change creates a premature translational stop signal (p.Ser752*) in the FANCM gene. It is expected to result in an absent or disrupted protein product. Loss-of-function variants in FANCM are known to be pathogenic (PMID: 29895858, 30075111). For these reasons, this variant has been classified as Pathogenic. This variant has not been reported in the literature in individuals affected with FANCM-related conditions. This variant is not present in population databases (gnomAD no frequency).

Literature cited by the submitters: PubMed 29895858; PubMed 30075111.

NM_020937.4(FANCM):c.2255C>A (p.Ser752Ter)

Gene: FANCM (FA complementation group M; plus strand). Cytogenetic location: 14q21.2.
Variant type: single nucleotide variant.
Coding change: c.2255C>A on transcript NM_020937.4 (MANE Select); coding-DNA position 2255, C replaced by A.
Protein change: p.Ser752Ter; replaces serine 752 with a stop codon.
Molecular consequence: nonsense.
Genome position (GRCh38, 1-based): chr14:45,173,149, C>A. VCF-style: chr14-45173149-C-A. GRCh37 (hg19) VCF-style: chr14-45642352-C-A.
Other names: c.2177C>A, p.Ser726Ter (NM_001308133.2); short protein forms S726*, S752*.
Identifiers: ClinVar variation 2900803 (VCV002900803.3), dbSNP rs1888447684, ClinGen allele CA389596786.
Genomic context (GRCh38, chr14:45,173,149, plus strand): 5'-CTCTCTCTGAATGGAGACTGTGGCAAGATCATCCTTTGCCTACACATCAAGTTGATCACT[C>A]AGATCGATGCCGCCATTTTATAGGCCTTATGCAAATGATAGAGGGAATGAGACACGAAGA-3'